The following is an entry in ClinVar:

NM_004415.4(DSP):c.6325G>T (p.Glu2109Ter)

Gene: DSP (desmoplakin; plus strand). Cytogenetic location: 6p24.3.
Variant type: single nucleotide variant.
Coding change: c.6325G>T on transcript NM_004415.4 (MANE Select); coding-DNA position 6325, G replaced by T.
Protein change: p.Glu2109Ter; replaces glutamic acid 2109 with a stop codon.
Molecular consequence: nonsense.
Genome position (GRCh38, 1-based): chr6:7,583,587, G>T. VCF-style: chr6-7583587-G-T. GRCh37 (hg19) VCF-style: chr6-7583820-G-T.
Other names: c.4528G>T, p.Glu1510Ter (NM_001008844.3); c.4996G>T, p.Glu1666Ter (NM_001319034.2); short protein forms E1510*, E1666*, E2109*.
Identifiers: ClinVar variation 4015113 (VCV004015113.2).

ClinVar aggregate classification (germline): Pathogenic (1 of 4 stars; one submission).

Conditions:
Cardiovascular phenotype. Identifiers: MedGen CN230736.

Submission:

Ambry Genetics
Classification: Pathogenic for Cardiovascular phenotype. Last evaluated: 2025-06-24. Review status: criteria provided, single submitter. Criteria: Ambry Variant Classification Scheme 2023. Collection method: clinical testing. Allele origin: germline.
Comment: The c.6325G>T (p.E2109*) alteration, located in exon 24 (coding exon 24) of the DSP gene, consists of a G to T substitution at nucleotide position 6325. This changes the amino acid from a glutamic acid (E) to a stop codon at amino acid position 2109. This variant occurs at the 3' terminus of the DSP gene, is not expected to trigger nonsense-mediated mRNA decay, and impacts the last 26% of the protein. However, premature stop codons are typically deleterious in nature and the impacted region is critical for protein function (Ambry internal data). This variant was not reported in population-based cohorts in the Genome Aggregation Database (gnomAD). Variants in DSP that result in haploinsufficiency or protein truncation have been reported in patients with arrhythmogenic right ventricular cardiomyopathy (ARVC) and dilated cardiomyopathy (DCM) (Fressart, 2010; Elliott, 2010; Quarta, 2011; Garcia-Pavia, 2011; Rasmussen, 2013; Pugh, 2014). Based on the available evidence, this alteration is classified as pathogenic.

Literature cited by the submitters: PubMed 20400443; PubMed 20716751; PubMed 21606390; PubMed 21859740; PubMed 23137101; PubMed 24503780.